The following is an entry in ClinVar:

NM_015213.4(DENND5A):c.3302C>T (p.Pro1101Leu)

Gene: DENND5A (DENN domain containing 5A; minus strand). Cytogenetic location: 11p15.4.
Variant type: single nucleotide variant.
Coding change: c.3302C>T on transcript NM_015213.4 (MANE Select); coding-DNA position 3302, C replaced by T.
Protein change: p.Pro1101Leu; replaces proline 1101 with leucine.
Molecular consequence: missense variant. On other transcripts: non-coding transcript variant (1).
Genome position (GRCh38, 1-based): chr11:9,144,099, G>A on the plus strand (C>T on the coding strand, the complement: DENND5A is on the minus strand). VCF-style: chr11-9144099-G-A. GRCh37 (hg19) VCF-style: chr11-9165646-G-A.
Other names: c.3302C>T, p.Pro1101Leu (NM_001243254.2, NM_001348748.1); c.3230C>T, p.Pro1077Leu (NM_001348749.2); c.3014C>T, p.Pro1005Leu (NM_001348750.2); short protein forms P1005L, P1101L, P1077L.
Identifiers: ClinVar variation 1932356 (VCV001932356.2), dbSNP rs1488263355, ClinGen allele CA379600588.

ClinVar aggregate classification (germline): Uncertain significance (1 of 4 stars; one submission).

Allele frequency attached by ClinVar (database versions not stated): gnomAD exomes below 0.00001; TOPMed 0.00001.
gnomAD v4.1: 2 of 1,612,712 alleles (0.00012%); highest among the groups gnomAD compares: Admixed American, 0.0033%; no homozygotes.

Submission:

Labcorp Genetics (formerly Invitae), Labcorp
Classification: Uncertain significance. Last evaluated: 2022-01-17. Review status: criteria provided, single submitter. Criteria: Invitae Variant Classification Sherloc (09022015). Collection method: clinical testing. Allele origin: germline.
Comment: This sequence change replaces proline, which is neutral and non-polar, with leucine, which is neutral and non-polar, at codon 1101 of the DENND5A protein (p.Pro1101Leu). This variant is present in population databases (no rsID available, gnomAD 0.003%). This variant has not been reported in the literature in individuals affected with DENND5A-related conditions. Algorithms developed to predict the effect of missense changes on protein structure and function (SIFT, PolyPhen-2, Align-GVGD) all suggest that this variant is likely to be tolerated. In summary, the available evidence is currently insufficient to determine the role of this variant in disease. Therefore, it has been classified as a Variant of Uncertain Significance.